The following is an entry in ClinVar:

ClinVar aggregate classification (germline): Conflicting classifications of pathogenicity. Review status: criteria provided, conflicting classifications (1 of 4 stars). 10 submissions from 10 submitters: Uncertain significance (6); Likely benign (2). 2 of the submissions do not count toward it. Last evaluated 2025-12-14.

Conditions:
Hereditary cancer-predisposing syndrome. Also called: Neoplastic Syndromes, Hereditary; Hereditary Cancer Syndrome; Hereditary neoplastic syndrome; Tumor predisposition. Identifiers: Orphanet 140162, MedGen C0027672, MeSH D009386, MONDO:0015356.
Hereditary breast ovarian cancer syndrome. Also called: Hereditary breast and ovarian cancer syndrome; Hereditary breast and/or ovarian cancer syndrome; BRCA1- and BRCA2-Associated Hereditary Breast and Ovarian Cancer; Hereditary breast and ovarian cancer; Breast and ovarian cancer; Hereditary breast and ovarian cancer syndrome (HBOC). Identifiers: Orphanet 145, MedGen C0677776, MeSH D061325, MONDO:0003582. Disease mechanism: loss of function.
Breast-ovarian cancer, familial, susceptibility to, 2 (BROVCA2). Also called: BRCA2 Hereditary Breast and Ovarian Cancer. Identifiers: Orphanet 145, MedGen C2675520, MONDO:0012933, OMIM 612555. Disease mechanism: loss of function.

Submissions (10):

Labcorp Genetics (formerly Invitae), Labcorp
Classification: Uncertain significance for Hereditary breast ovarian cancer syndrome. Last evaluated: 2025-12-14. Review status: criteria provided, single submitter. Criteria: Invitae Variant Classification Sherloc (09022015). Collection method: clinical testing. Allele origin: germline.
Comment: This sequence change replaces histidine, which is basic and polar, with arginine, which is basic and polar, at codon 1458 of the BRCA2 protein (p.His1458Arg). This variant is present in population databases (rs587782185, gnomAD 0.01%). This missense change has been observed in individual(s) with prostate cancer (PMID: 27701467). ClinVar contains an entry for this variant (Variation ID: 142023). Invitae Evidence Modeling of protein sequence and biophysical properties (such as structural, functional, and spatial information, amino acid conservation, physicochemical variation, residue mobility, and thermodynamic stability) indicates that this missense variant is not expected to disrupt BRCA2 protein function with a negative predictive value of 95%. In summary, the available evidence is currently insufficient to determine the role of this variant in disease. Therefore, it has been classified as a Variant of Uncertain Significance.

Quest Diagnostics Nichols Institute San Juan Capistrano
Classification: Uncertain significance. Last evaluated: 2025-03-29. Review status: criteria provided, single submitter. Criteria: Quest Diagnostics criteria. Collection method: clinical testing. Allele origin: unknown.
Comment: The BRCA2 c.4373A>G (p.His1458Arg) variant has been reported in the published literature in an individual with prostate cancer (PMID: 27701467 (2016)). The frequency of this variant in the general population (Genome Aggregation Database) is uninformative in the assessment of its pathogenicity. Analysis of this variant using bioinformatics tools for the prediction of the effect of amino acid changes on protein structure and function yielded predictions that this variant is benign. Based on the available information, we are unable to determine the clinical significance of this variant.

ARUP Laboratories, Molecular Genetics and Genomics, ARUP Laboratories
Classification: Likely benign. Last evaluated: 2024-10-18. Review status: criteria provided, single submitter. Criteria: ARUP Molecular Germline Variant Investigation Process 2024. Collection method: clinical testing. Allele origin: germline.

Color Diagnostics, LLC DBA Color Health
Classification: Uncertain significance for Hereditary cancer-predisposing syndrome. Last evaluated: 2024-02-05. Review status: criteria provided, single submitter. Criteria: ACMG Guidelines, 2015. Collection method: clinical testing. Allele origin: germline.
Comment: This missense variant replaces histidine with arginine at codon 1458 of the BRCA2 protein. Computational prediction suggests that this variant may not impact protein structure and function. To our knowledge, functional studies have not been reported for this variant. This variant has been reported in an individual with prostate cancer (PMID: 27701467). This variant has not been identified in the general population by the Genome Aggregation Database (gnomAD). The available evidence is insufficient to determine the role of this variant in disease conclusively. Therefore, this variant is classified as a Variant of Uncertain Significance.

University of Washington Department of Laboratory Medicine, University of Washington
Classification: Likely benign for Hereditary cancer-predisposing syndrome. Last evaluated: 2023-03-23. Review status: criteria provided, single submitter. Criteria: Dines et al. (Genet Med. 2020). Collection method: curation. Allele origin: germline.
Comment: Missense variant in a coldspot region where missense variants are very unlikely to be pathogenic (PMID:31911673).

BRCA2 exon 11 coldspot. Reclassification based on statistical prior probability.

Ambry Genetics
Classification: Uncertain significance for Hereditary cancer-predisposing syndrome. Last evaluated: 2023-03-05. Review status: criteria provided, single submitter. Criteria: Ambry Variant Classification Scheme 2023. Collection method: clinical testing. Allele origin: germline.
Comment: The p.H1458R variant (also known as c.4373A>G), located in coding exon 10 of the BRCA2 gene, results from an A to G substitution at nucleotide position 4373. The histidine at codon 1458 is replaced by arginine, an amino acid with highly similar properties. In one study of 140 Japanese prostate cancer patients from 66 families, this alteration was observed in one proband (Hayano T et al. PLoS ONE. 2016 Oct;11:e0164233). This amino acid position is poorly conserved in available vertebrate species. In addition, this alteration is predicted to be tolerated by in silico analysis. Since supporting evidence is limited at this time, the clinical significance of this alteration remains unclear.

Women's Health and Genetics/Laboratory Corporation of America, LabCorp
Classification: Uncertain significance. Last evaluated: 2023-02-27. Review status: criteria provided, single submitter. Criteria: LabCorp Variant Classification Summary - May 2015. Collection method: clinical testing. Allele origin: germline.
Comment: Variant summary: BRCA2 c.4373A>G (p.His1458Arg) results in a non-conservative amino acid change in the encoded protein sequence. Three of five in-silico tools predict a benign effect of the variant on protein function. The variant was absent in 244556 control chromosomes. The available data on variant occurrences in the general population are insufficient to allow any conclusion about variant significance. c.4373A>G has been reported in the literature in at-least one individual from a small family with pairs of patients affected with prostate cancer where it was not reported to co-segregate with disease (example, Hayano_2016). These report(s) do not provide unequivocal conclusions about association of the variant with Hereditary Breast And Ovarian Cancer Syndrome. To our knowledge, no experimental evidence demonstrating an impact on protein function has been reported. Five clinical diagnostic laboratories have submitted clinical-significance assessments for this variant to ClinVar after 2014 without evidence for independent evaluation. All laboratories classified the variant as uncertain significance. Based on the evidence outlined above, the variant was classified as uncertain significance.

GeneDx
Classification: Uncertain significance. Last evaluated: 2022-10-11. Review status: criteria provided, single submitter. Criteria: GeneDx Variant Classification Process June 2021. Collection method: clinical testing. Allele origin: germline. Affected: yes.
Comment: Not observed at significant frequency in large population cohorts (gnomAD); In silico analysis supports that this missense variant does not alter protein structure/function; Observed in an individual with prostate cancer (Hayano et al., 2016); Also known as 4601A>G; This variant is associated with the following publications: (PMID: 27701467)

Counsyl
Classification: Uncertain significance for Breast-ovarian cancer, familial, susceptibility to, 2. Last evaluated: 2015-12-04. Review status: no assertion criteria provided. Collection method: clinical testing. Allele origin: unknown. Not counted in ClinVar's aggregate classification.

Sharing Clinical Reports Project (SCRP)
Classification: Uncertain significance for Breast-ovarian cancer, familial 2. Last evaluated: 2010-01-19. Review status: no assertion criteria provided. Collection method: clinical testing. Allele origin: germline. Not counted in ClinVar's aggregate classification.

Literature cited by the submitters: PubMed 27701467 (cited by 5 submitters); PubMed 36172325 (cited by Quest Diagnostics Nichols Institute San Juan Capistrano); PubMed 29884841 (cited by Quest Diagnostics Nichols Institute San Juan Capistrano); PubMed 35729312 (cited by Quest Diagnostics Nichols Institute San Juan Capistrano); PubMed 31322208 (cited by Quest Diagnostics Nichols Institute San Juan Capistrano); PubMed 38153744 (cited by Quest Diagnostics Nichols Institute San Juan Capistrano); PubMed 31853058 (cited by Quest Diagnostics Nichols Institute San Juan Capistrano); PubMed 31911673 (cited by Quest Diagnostics Nichols Institute San Juan Capistrano).

NM_000059.4(BRCA2):c.4373A>G (p.His1458Arg)

Gene: BRCA2 (BRCA2 DNA repair associated; plus strand). Cytogenetic location: 13q13.1.
Variant type: single nucleotide variant.
Coding change: c.4373A>G on transcript NM_000059.4 (MANE Select); coding-DNA position 4373, A replaced by G.
Protein change: p.His1458Arg; replaces histidine 1458 with arginine.
Molecular consequence: missense variant.
Genome position (GRCh38, 1-based): chr13:32,338,728, A>G. VCF-style: chr13-32338728-A-G. GRCh37 (hg19) VCF-style: chr13-32912865-A-G.
Other names: 4601A>G; short protein forms H1458R.
Identifiers: ClinVar variation 142023 (VCV000142023.33), dbSNP rs587782185, ClinGen allele CA020055.